The following is an entry in ClinVar:

NM_001369.3(DNAH5):c.3072C>T (p.Ala1024=)

Genes: DNAH5 (dynein axonemal heavy chain 5; minus strand), DNAH5-AS1 (DNAH5 antisense RNA 1; plus strand). Cytogenetic location: 5p15.2.
Variant type: single nucleotide variant.
Coding change: c.3072C>T on transcript NM_001369.3 (MANE Select); coding-DNA position 3072, C replaced by T.
Protein change: p.Ala1024=; no amino-acid change (alanine 1024 retained).
Molecular consequence: synonymous variant.
Genome position (GRCh38, 1-based): chr5:13,883,006, G>A on the plus strand (C>T on the coding strand, the complement: DNAH5 is on the minus strand). VCF-style: chr5-13883006-G-A. GRCh37 (hg19) VCF-style: chr5-13883115-G-A.
Other names: c.3072C>T (NM_001369.2).
Identifiers: ClinVar variation 1136637 (VCV001136637.10), dbSNP rs759791781, ClinGen allele CA443273458.

ClinVar aggregate classification (germline): Likely benign. Review status: criteria provided, multiple submitters, no conflicts (2 of 4 stars). 2 submissions from 2 submitters: Likely benign (2). Last evaluated 2025-09-24.

Conditions:
Primary ciliary dyskinesia. Also called: Ciliary dyskinesia. Identifiers: Orphanet 244, MedGen C0008780, MONDO:0016575, HP:0012265.
DNAH5-related disorder. Also called: DNAH5-related condition.

Allele frequency attached by ClinVar (database versions not stated): gnomAD 0.00001.
gnomAD v4.1: 1 of 1,613,986 alleles (0.000062%); highest among the groups gnomAD compares: Admixed American, 0.0017%; no homozygotes.

Submissions (2):

PreventionGenetics, part of Exact Sciences
Classification: Likely benign for DNAH5-related condition. Last evaluated: 2025-09-24. Review status: criteria provided, single submitter. Criteria: ACMG Guidelines, 2015. Collection method: clinical testing. Allele origin: germline.
Comment: This variant is classified as likely benign based on ACMG/AMP sequence variant interpretation guidelines (Richards et al. 2015 PMID: 25741868, with internal and published modifications).

Labcorp Genetics (formerly Invitae), Labcorp
Classification: Likely benign for Primary ciliary dyskinesia. Last evaluated: 2022-06-23. Review status: criteria provided, single submitter. Criteria: Invitae Variant Classification Sherloc (09022015). Collection method: clinical testing. Allele origin: germline.